The following is an entry in ClinVar:

NM_001349253.2(SCN11A):c.4478C>T (p.Ser1493Leu)

Gene: SCN11A (sodium voltage-gated channel alpha subunit 11; minus strand). Cytogenetic location: 3p22.2.
Variant type: single nucleotide variant.
Coding change: c.4478C>T on transcript NM_001349253.2 (MANE Select); coding-DNA position 4478, C replaced by T.
Protein change: p.Ser1493Leu; replaces serine 1493 with leucine.
Molecular consequence: missense variant.
Genome position (GRCh38, 1-based): chr3:38,847,592, G>A on the plus strand (C>T on the coding strand, the complement: SCN11A is on the minus strand). VCF-style: chr3-38847592-G-A. GRCh37 (hg19) VCF-style: chr3-38889083-G-A.
Other names: c.4478C>T, p.Ser1493Leu (NM_014139.3); short protein forms S1493L.
Identifiers: ClinVar variation 541553 (VCV000541553.8), dbSNP rs374311646, ClinGen allele CA2321509.
Genomic context (GRCh38, chr3:38,847,592, plus strand): 5'-ATGGCATAGATAAACATAATCAGAAAGAGTAGAAGACCAATGTTGAACAGAGAAGGAAGC[G>A]ACATCATCAGAGCAAAGAGGAGAGTCCTGATTCCTCGTGCAGCCCGGACAAGCCTCAGGA-3'
Protein context (NP_001336182.1, residues 1483-1503): IRTLLFALMM[Ser1493Leu]LPSLFNIGLL

ClinVar aggregate classification (germline): Uncertain significance (1 of 4 stars; one submission).

Conditions:
Hereditary sensory and autonomic neuropathy type 7. Also called: Neuropathy, hereditary sensory and autonomic, type VII; HSAN VII. Identifiers: Orphanet 391397, MedGen C3809882, MONDO:0014244, OMIM 615548.
Familial episodic pain syndrome with predominantly lower limb involvement. Also called: Episodic pain syndrome, familial, 3. Identifiers: Orphanet 391384, Orphanet 391392, MedGen C3809899, MONDO:0014247, OMIM 615552.

Allele frequency attached by ClinVar (database versions not stated): gnomAD 0.00002; gnomAD exomes 0.00002 and 0.00006; ExAC 0.00003; TOPMed 0.00003; ESP Exome Variant Server 0.00008.
gnomAD v4.1: 85 of 1,613,994 alleles (0.0053%); highest among the groups gnomAD compares: South Asian, 0.0077%; 1 homozygote.

Submission:

Labcorp Genetics (formerly Invitae), Labcorp
Classification: Uncertain significance for Familial episodic pain syndrome with predominantly lower limb involvement; Hereditary sensory and autonomic neuropathy type 7. Last evaluated: 2024-11-30. Review status: criteria provided, single submitter. Criteria: Invitae Variant Classification Sherloc (09022015). Collection method: clinical testing. Allele origin: germline.
Comment: This sequence change replaces serine, which is neutral and polar, with leucine, which is neutral and non-polar, at codon 1493 of the SCN11A protein (p.Ser1493Leu). This variant is present in population databases (rs374311646, gnomAD 0.01%). This missense change has been observed in individual(s) with clinical features of SCN11A-related conditions (internal data). ClinVar contains an entry for this variant (Variation ID: 541553). Invitae Evidence Modeling of protein sequence and biophysical properties (such as structural, functional, and spatial information, amino acid conservation, physicochemical variation, residue mobility, and thermodynamic stability) indicates that this missense variant is expected to disrupt SCN11A protein function with a positive predictive value of 80%. In summary, the available evidence is currently insufficient to determine the role of this variant in disease. Therefore, it has been classified as a Variant of Uncertain Significance.